The following is an entry in ClinVar:

NM_000836.4(GRIN2D):c.2461C>T (p.Arg821Trp)

Gene: GRIN2D (glutamate ionotropic receptor NMDA type subunit 2D; plus strand). Cytogenetic location: 19q13.33.
Variant type: single nucleotide variant.
Coding change: c.2461C>T on transcript NM_000836.4 (MANE Select); coding-DNA position 2461, C replaced by T.
Protein change: p.Arg821Trp; replaces arginine 821 with tryptophan.
Molecular consequence: missense variant.
Genome position (GRCh38, 1-based): chr19:48,442,170, C>T. VCF-style: chr19-48442170-C-T. GRCh37 (hg19) VCF-style: chr19-48945427-C-T.
Other names: short protein forms R821W.
Identifiers: ClinVar variation 2097521 (VCV002097521.4), dbSNP rs1157502738, ClinGen allele CA406670060.

ClinVar aggregate classification (germline): Uncertain significance (1 of 4 stars; one submission).

Allele frequency attached by ClinVar (database versions not stated): gnomAD exomes 0.00001.
gnomAD v4.1: 9 of 1,614,102 alleles (0.00056%); highest among the groups gnomAD compares: Non-Finnish European, 0.00076%; no homozygotes.

Submission:

Labcorp Genetics (formerly Invitae), Labcorp
Classification: Uncertain significance. Last evaluated: 2024-06-17. Review status: criteria provided, single submitter. Criteria: Invitae Variant Classification Sherloc (09022015). Collection method: clinical testing. Allele origin: germline.
Comment: This sequence change replaces arginine, which is basic and polar, with tryptophan, which is neutral and slightly polar, at codon 821 of the GRIN2D protein (p.Arg821Trp). This variant is present in population databases (no rsID available, gnomAD 0.0009%). This variant has not been reported in the literature in individuals affected with GRIN2D-related conditions. ClinVar contains an entry for this variant (Variation ID: 2097521). Advanced modeling of protein sequence and biophysical properties (such as structural, functional, and spatial information, amino acid conservation, physicochemical variation, residue mobility, and thermodynamic stability) performed at Invitae indicates that this missense variant is not expected to disrupt GRIN2D protein function with a negative predictive value of 80%. In summary, the available evidence is currently insufficient to determine the role of this variant in disease. Therefore, it has been classified as a Variant of Uncertain Significance.